The following is an entry in ClinVar:

ClinVar aggregate classification (germline): Uncertain significance (1 of 4 stars; one submission).

Allele frequency attached by ClinVar (database versions not stated): gnomAD exomes below 0.00001; TOPMed below 0.00001.
gnomAD v4.1: 1 of 1,587,456 alleles (0.000063%); highest among the groups gnomAD compares: East Asian, 0.0022%; no homozygotes.

Submission:

GeneDx
Classification: Uncertain significance. Last evaluated: 2019-04-17. Review status: criteria provided, single submitter. Criteria: GeneDx Variant Classification Process June 2021. Collection method: clinical testing. Allele origin: germline. Affected: yes.
Comment: Has not been previously published as pathogenic or benign to our knowledge; In silico analysis, which includes protein predictors and evolutionary conservation, supports that this variant does not alter protein structure/function; Variants in candidate genes are classified as variants of uncertain significance in accordance with ACMG guidelines (Richards et al., 2015)

NM_005909.5(MAP1B):c.2137G>A (p.Val713Ile)

Gene: MAP1B (microtubule associated protein 1B; plus strand). Cytogenetic location: 5q13.2.
Variant type: single nucleotide variant.
Coding change: c.2137G>A on transcript NM_005909.5 (MANE Select); coding-DNA position 2137, G replaced by A.
Protein change: p.Val713Ile; replaces valine 713 with isoleucine.
Molecular consequence: missense variant.
Genome position (GRCh38, 1-based): chr5:72,195,492, G>A. VCF-style: chr5-72195492-G-A. GRCh37 (hg19) VCF-style: chr5-71491319-G-A.
Other names: c.1759G>A, p.Val587Ile (NM_001324255.2); short protein forms V587I, V713I.
Identifiers: ClinVar variation 1308571 (VCV001308571.2), dbSNP rs1230364105, ClinGen allele CA360003660.